The following is an entry in ClinVar:

NM_022124.6(CDH23):c.4730G>A (p.Arg1577His)

Gene: CDH23 (cadherin related 23; plus strand). Cytogenetic location: 10q22.1.
Variant type: single nucleotide variant.
Coding change: c.4730G>A on transcript NM_022124.6 (MANE Select); coding-DNA position 4730, G replaced by A.
Protein change: p.Arg1577His; replaces arginine 1577 with histidine.
Molecular consequence: missense variant.
Genome position (GRCh38, 1-based): chr10:71,741,806, G>A. VCF-style: chr10-71741806-G-A. GRCh37 (hg19) VCF-style: chr10-73501563-G-A.
Other names: short protein forms R1577H.
Identifiers: ClinVar variation 450629 (VCV000450629.11), dbSNP rs771464282, ClinGen allele CA5545134.

ClinVar aggregate classification (germline): Uncertain significance. Review status: criteria provided, multiple submitters, no conflicts (2 of 4 stars). 4 submissions from 4 submitters: Uncertain significance (3). 1 of the submissions does not count toward it. Last evaluated 2025-08-18.

Conditions:
Usher syndrome type 1 (USH1). Also called: RETINITIS PIGMENTOSA AND CONGENITAL DEAFNESS. Identifiers: Orphanet 231169, Orphanet 886, MedGen C1568247, MONDO:0010168, OMIM 276900.

Allele frequency attached by ClinVar (database versions not stated): gnomAD 0.00001; TOPMed 0.00002; gnomAD exomes 0.00002 and 0.00003; ExAC 0.00004.
gnomAD v4.1: 43 of 1,612,066 alleles (0.0027%); highest among the groups gnomAD compares: South Asian, 0.0088%; no homozygotes.

Submissions (4):

GeneDx
Classification: Uncertain significance. Last evaluated: 2025-08-18. Review status: criteria provided, single submitter. Criteria: GeneDx Variant Classification Process June 2021. Collection method: clinical testing. Allele origin: germline. Affected: yes.
Comment: In silico analysis suggests that this missense variant does not alter protein structure/function; Has not been previously published as pathogenic or benign to our knowledge

Labcorp Genetics (formerly Invitae), Labcorp
Classification: Uncertain significance. Last evaluated: 2022-03-28. Review status: criteria provided, single submitter. Criteria: Invitae Variant Classification Sherloc (09022015). Collection method: clinical testing. Allele origin: germline.
Comment: This sequence change replaces arginine, which is basic and polar, with histidine, which is basic and polar, at codon 1577 of the CDH23 protein (p.Arg1577His). The frequency data for this variant in the population databases is considered unreliable, as metrics indicate poor data quality at this position in the gnomAD database. This variant has not been reported in the literature in individuals affected with CDH23-related conditions. ClinVar contains an entry for this variant (Variation ID: 450629). Algorithms developed to predict the effect of missense changes on protein structure and function are either unavailable or do not agree on the potential impact of this missense change (SIFT: "Deleterious"; PolyPhen-2: "Not Available"; Align-GVGD: "Class C25"). In summary, the available evidence is currently insufficient to determine the role of this variant in disease. Therefore, it has been classified as a Variant of Uncertain Significance.

Laboratory for Molecular Medicine, Mass General Brigham Personalized Medicine
Classification: Uncertain significance. Last evaluated: 2019-06-26. Review status: criteria provided, single submitter. Criteria: LMM Criteria. Collection method: clinical testing. Allele origin: germline. Observed: 1 variant allele.
Comment: The p.Arg1577His variant in CDH23 has not been previously reported in individuals with hearing loss or Usher syndrome, but has been identified in 0.009% (3/30030) of South Asian chromosomes by gnomAD. This variant has also been reported in ClinVar (Variation ID 450629). Computational prediction tools and conservation analysis suggest that this variant may impact the protein, though this information is not predictive enough to determine pathogenicity. In summary, the clinical significance of this variant is uncertain. ACMG/AMP Criteria applied: PM2, PP3.

Natera, Inc.
Classification: Uncertain significance for Usher syndrome type 1. Last evaluated: 2019-10-28. Review status: no assertion criteria provided. Collection method: clinical testing. Allele origin: germline. Not counted in ClinVar's aggregate classification.